The following is an entry in ClinVar:

NM_001130004.2(ACTN1):c.2730C>T (p.Gly910=)

Gene: ACTN1 (actinin alpha 1; minus strand). Cytogenetic location: 14q24.1.
Variant type: single nucleotide variant.
Coding change: c.2730C>T on transcript NM_001130004.2 (MANE Select); coding-DNA position 2730, C replaced by T.
Protein change: p.Gly910=; no amino-acid change (glycine 910 retained).
Molecular consequence: synonymous variant.
Genome position (GRCh38, 1-based): chr14:68,874,874, G>A on the plus strand (C>T on the coding strand, the complement: ACTN1 is on the minus strand). VCF-style: chr14-68874874-G-A. GRCh37 (hg19) VCF-style: chr14-69341591-G-A.
Other names: c.2664C>T, p.Gly888= (NM_001102.4); c.2649C>T, p.Gly883= (NM_001130005.2); c.2673C>T, p.Gly891= (NM_001411035.1); c.2469C>T, p.Gly823= (NM_001411036.1, NM_001424026.1); c.2793C>T, p.Gly931= (NM_001424012.1); c.2790C>T, p.Gly930= (NM_001424013.1); c.2778C>T, p.Gly926= (NM_001424014.1); c.2751C>T, p.Gly917= (NM_001424015.1); and 14 more.
Identifiers: ClinVar variation 3353605 (VCV003353605.1).

ClinVar aggregate classification (germline): Likely benign (0 of 4 stars; one submission).

Conditions:
ACTN1-related disorder. Also called: ACTN1-related condition.

gnomAD v4.1: 2 of 1,587,508 alleles (0.00013%); highest among the groups gnomAD compares: African/African-American, 0.0027%; no homozygotes.

Submission:

PreventionGenetics, part of Exact Sciences
Classification: Likely benign for ACTN1-related condition. Last evaluated: 2024-06-12. Review status: no assertion criteria provided. Collection method: clinical testing. Allele origin: germline.
Comment: This variant is classified as likely benign based on ACMG/AMP sequence variant interpretation guidelines (Richards et al. 2015 PMID: 25741868, with internal and published modifications).